The following is an entry in ClinVar:

ClinVar aggregate classification (germline): Uncertain significance (1 of 4 stars; one submission).

Conditions:
Lethal congenital glycogen storage disease of heart. Also called: GLYCOGEN STORAGE DISEASE OF HEART; PHOSPHORYLASE KINASE DEFICIENCY OF HEART. Identifiers: Orphanet 439854, MedGen C1849813, MONDO:0009867, OMIM 261740.

gnomAD v4.1: 5 of 1,613,654 alleles (0.00031%); highest among the groups gnomAD compares: Non-Finnish European, 0.00042%; no homozygotes.

Submission:

Labcorp Genetics (formerly Invitae), Labcorp
Classification: Uncertain significance for Lethal congenital glycogen storage disease of heart. Last evaluated: 2025-12-09. Review status: criteria provided, single submitter. Criteria: Invitae Variant Classification Sherloc (09022015). Collection method: clinical testing. Allele origin: germline.
Comment: This sequence change affects a donor splice site in intron 4 of the PRKAG2 gene. It is expected to disrupt RNA splicing. Variants that disrupt the donor or acceptor splice site typically lead to a loss of protein function (PMID: 16199547), however the current clinical and genetic evidence is not sufficient to establish whether loss-of-function variants in PRKAG2 cause disease. This variant is not present in population databases (gnomAD no frequency). This variant has not been reported in the literature in individuals affected with PRKAG2-related conditions. ClinVar contains an entry for this variant (Variation ID: 2018290). Algorithms developed to predict the effect of sequence changes on RNA splicing suggest that this variant may disrupt the consensus splice site. In summary, the available evidence is currently insufficient to determine the role of this variant in disease. Therefore, it has been classified as a Variant of Uncertain Significance.

Literature cited by the submitters: PubMed 16199547.

NM_016203.4(PRKAG2):c.684+1G>C

Gene: PRKAG2 (protein kinase AMP-activated non-catalytic subunit gamma 2; minus strand). Cytogenetic location: 7q36.1.
Variant type: single nucleotide variant.
Coding change: c.684+1G>C on transcript NM_016203.4 (MANE Select); the canonical splice donor site of the intron after coding-DNA position 684, G replaced by C.
Molecular consequence: splice donor variant. On other transcripts: intron variant (5).
Genome position (GRCh38, 1-based): chr7:151,675,419, C>G on the plus strand (G>C on the coding strand, the complement: PRKAG2 is on the minus strand). VCF-style: chr7-151675419-C-G. GRCh37 (hg19) VCF-style: chr7-151372505-C-G.
Other names: c.467-79968G>C (NM_001407031.1); c.467-79965G>C (NM_001407030.1); c.684+1G>C (NM_001407023.1, NM_001407022.1, NM_001407021.1); c.366+1G>C (NM_001407032.1); c.552+1G>C (NM_001407026.1, NM_001040633.2, NM_001407027.1 and 1 more transcripts); c.361-43281G>C (NM_001407033.1); c.94+60481G>C (NM_001407037.1); c.13-43281G>C (NM_001407038.1); and 1 more.
Identifiers: ClinVar variation 2018290 (VCV002018290.4), dbSNP rs1457532924, ClinGen allele CA370186593.